The following is an entry in ClinVar:

ClinVar aggregate classification (germline): Uncertain significance (1 of 4 stars; one submission).

Conditions:
Intellectual developmental disorder, X-linked 106. Also called: Mental retardation, X-linked 106; Intellectual disability, X-linked 106. Identifiers: MedGen C4478379, MONDO:0030907, OMIM 300997.

Submission:

Institute of Human Genetics, University of Leipzig Medical Center
Classification: Uncertain significance for Intellectual developmental disorder, X-linked 106. Last evaluated: 2021-01-08. Review status: criteria provided, single submitter. Criteria: ACMG Guidelines, 2015. Collection method: clinical testing. Allele origin: unknown. Inheritance: X-linked recessive inheritance. Affected: yes.
Comment: Criteria applied: PM2_SUP,PP2,PP3

NM_181672.3(OGT):c.2501A>G (p.Gln834Arg)

Gene: OGT (O-linked N-acetylglucosamine (GlcNAc) transferase; plus strand). Cytogenetic location: Xq13.1.
Variant type: single nucleotide variant.
Coding change: c.2501A>G on transcript NM_181672.3 (MANE Select); coding-DNA position 2501, A replaced by G.
Protein change: p.Gln834Arg; replaces glutamine 834 with arginine.
Molecular consequence: missense variant.
Genome position (GRCh38, 1-based): chrX:71,564,665, A>G. VCF-style: chrX-71564665-A-G. GRCh37 (hg19) VCF-style: chrX-70784515-A-G.
Other names: c.2471A>G, p.Gln824Arg (NM_181673.3); short protein forms Q824R, Q834R.
Identifiers: ClinVar variation 1285494 (VCV001285494.3), dbSNP rs2147691043, ClinGen allele CA413568750.
Genomic context (GRCh38, chrX:71,564,665, plus strand): 5'-ACAATAAGGCTGCAACTGGAGAGGAGGTTCCCCGTACCATTATTGTAACCACCCGTTCTC[A>G]GTACGGGTTACCAGAAGATGCCATCGTATACTGTAACTTTAATCAGTTGTATAAAATTGA-3'
Protein context (NP_858058.1, residues 824-844): PRTIIVTTRS[Gln834Arg]YGLPEDAIVY